The following is an entry in ClinVar:

Single allele

Genes: RPL10A (ribosomal protein L10a; plus strand), TEAD3 (TEA domain transcription factor 3; minus strand), FANCE (FA complementation group E; plus strand), MIR7111 (microRNA 7111; plus strand), LOC129996245 (ATAC-STARR-seq lymphoblastoid silent region 17092; plus strand) and 4 more. Cytogenetic location: 6p21.31.
Variant type: Duplication.
Identifiers: ClinVar variation 4820239 (VCV004820239.1).

ClinVar aggregate classification (germline): Uncertain significance (1 of 4 stars; one submission).

Conditions:
Diamond-Blackfan anemia. Also called: Blackfan Diamond syndrome; Aregenerative anemia chronic congenital; Red cell aplasia, pure hereditary; Congenital hypoplastic anemia; Aase syndrome. Identifiers: Orphanet 124, MedGen C1260899, MeSH D029503, MONDO:0015253, HP:0004810.

Submission:

Mendelics
Classification: Uncertain significance for Diamond-Blackfan anemia. Last evaluated: 2026-03-28. Review status: criteria provided, single submitter. Criteria: ACMG Guidelines, 2015. Collection method: clinical testing. Allele origin: unknown.
Comment: The available evidence is insufficient to conclusively determine the role of this variant. Therefore, it is classified as a Variant of Uncertain Significance.